The following is an entry in ClinVar:

NM_001165963.4(SCN1A):c.2994C>A (p.Asp998Glu)

Gene: SCN1A (sodium voltage-gated channel alpha subunit 1; minus strand). Cytogenetic location: 2q24.3.
Variant type: single nucleotide variant.
Coding change: c.2994C>A on transcript NM_001165963.4 (MANE Select); coding-DNA position 2994, C replaced by A.
Protein change: p.Asp998Glu; replaces aspartic acid 998 with glutamic acid.
Molecular consequence: missense variant. On other transcripts: non-coding transcript variant (1).
Genome position (GRCh38, 1-based): chr2:166,036,483, G>T on the plus strand (C>A on the coding strand, the complement: SCN1A is on the minus strand). VCF-style: chr2-166036483-G-T. GRCh37 (hg19) VCF-style: chr2-166892993-G-T.
Other names: p.D998E:GAC>GAA; c.2910C>A, p.Asp970Glu (NM_001165964.3, NM_001353957.2, NM_001353958.2); c.2994C>A, p.Asp998Glu (NM_001202435.3, NM_001353948.2); c.2961C>A, p.Asp987Glu (NM_001353949.2, NM_001353950.2, NM_001353951.2 and 2 more transcripts); c.2958C>A, p.Asp986Glu (NM_001353954.2, NM_001353955.2); c.2907C>A, p.Asp969Glu (NM_001353960.2); c.552C>A, p.Asp184Glu (NM_001353961.2); short protein forms D987E, D998E, D986E, D969E, D184E, D970E.
Identifiers: ClinVar variation 206795 (VCV000206795.11), dbSNP rs796052991, ClinGen allele CA317343.

ClinVar aggregate classification (germline): Conflicting classifications of pathogenicity. Review status: criteria provided, conflicting classifications (1 of 4 stars). 4 submissions from 4 submitters: Pathogenic (1); Likely pathogenic (1); Uncertain significance (2). Last evaluated 2025-11-17.

Conditions:
Severe myoclonic epilepsy in infancy (DRVT). Also called: DEVELOPMENTAL AND EPILEPTIC ENCEPHALOPATHY 6A; Severe Myoclonic Epilepsy in Infancy (SMEI); Epileptic encephalopathy, early infantile, 6 (Dravet syndrome); SEVERE MYOCLONIC EPILEPSY OF INFANCY; Dravet syndrome. Identifiers: Orphanet 33069, MedGen C0751122, MONDO:0100135, OMIM 607208.
Developmental and epileptic encephalopathy 6B. Also called: Developmental and epileptic encephalopathy 6B, non-Dravet. Identifiers: MedGen C5543353, MONDO:0030268, OMIM 619317.
Early-infantile DEE. Also called: Ohtahara syndrome; Early infantile epileptic encephalopathy; Early infantile epileptic encephalopathy with suppression bursts. Identifiers: Orphanet 1934, MedGen C0393706, MONDO:0800491.

Allele frequency attached by ClinVar (database versions not stated): gnomAD exomes below 0.00001; gnomAD 0.00001; TOPMed 0.00001; 1000 Genomes Project 30x 0.00016.
gnomAD v4.1: 6 of 1,612,526 alleles (0.00037%); highest among the groups gnomAD compares: African/African-American, 0.0067%; no homozygotes.

Submissions (4):

Labcorp Genetics (formerly Invitae), Labcorp
Classification: Pathogenic for Early-infantile DEE. Last evaluated: 2025-11-17. Review status: criteria provided, single submitter. Criteria: Invitae Variant Classification Sherloc (09022015). Collection method: clinical testing. Allele origin: germline.
Comment: This sequence change replaces aspartic acid, which is acidic and polar, with glutamic acid, which is acidic and polar, at codon 998 of the SCN1A protein (p.Asp998Glu). This variant is not present in population databases (gnomAD no frequency). This missense change has been observed in individuals with clinical features of autosomal dominant SCN1A-related conditions (PMID: 29655203; internal data). ClinVar contains an entry for this variant (Variation ID: 206795). Invitae Evidence Modeling of protein sequence and biophysical properties (such as structural, functional, and spatial information, amino acid conservation, physicochemical variation, residue mobility, and thermodynamic stability) indicates that this missense variant is expected to disrupt SCN1A protein function with a positive predictive value of 95%. This variant disrupts the p.Asp998 amino acid residue in SCN1A. Other variant(s) that disrupt this residue have been determined to be pathogenic (PMID: 18930999). This suggests that this residue is clinically significant, and that variants that disrupt this residue are likely to be disease-causing. For these reasons, this variant has been classified as Pathogenic.

Neuberg Centre For Genomic Medicine, NCGM
Classification: Uncertain significance for Developmental and epileptic encephalopathy 6B. Last evaluated: 2023-02-14. Review status: criteria provided, single submitter. Criteria: ACMG Guidelines, 2015. Collection method: clinical testing. Allele origin: germline. Inheritance: Autosomal dominant inheritance. Affected: yes.

GeneDx
Classification: Uncertain significance. Last evaluated: 2021-06-04. Review status: criteria provided, single submitter. Criteria: GeneDx Variant Classification Process June 2021. Collection method: clinical testing. Allele origin: germline. Affected: yes.
Comment: Not observed in large population cohorts (Lek et al., 2016); Missense variants in this gene are often considered pathogenic (Stenson et al., 2014); In silico analysis supports that this missense variant has a deleterious effect on protein structure/function; This variant is associated with the following publications: (PMID: 27535533, 29655203, 26582918, 24077912)

Lifecell International Pvt. Ltd
Classification: Likely pathogenic for Severe myoclonic epilepsy in infancy. Review status: criteria provided, single submitter. Criteria: ACMG Guidelines 2015. Collection method: clinical testing. Allele origin: germline. Inheritance: Autosomal dominant inheritance. Affected: yes. Observed: 1 variant allele, 1 heterozygote.
Comment: A heterozygous missense variant (c.2994C>A) in exon 19 of the SCN1A gene that results in the amino acid substitution from Aspartic acid to Glutamic acid at codon 998 (p.Asp998Glu) was identified. The observed variant is not present in both the 1000 Genomes and gnomAD databases. The reference base is conserved across the species and in-silico predictions by Polyphen and SIFT are damaging. A different amino acid substitution at the same position (Asp998Gly) has been reported in a patient with Dravet syndrome (Depienne et al., 2009). The Missense Variants Z-Score for this variant is 5.61. Missense Variants Z-Score is produced by the Exome Aggregation Consortium (60,706 adult humans) by computing a signed Z score for the deviation of observed counts from the expected number. Positive Z scores indicate increased constraint (intolerance to variation) and therefore that the gene had fewer missense variants than expected. (DOI: 10.1038/nature19057). The MPC score for this variant is 2.02. MPC score is computed on an analysis of the ExAC population frequencies, the Missense Badness Score is the normalized fold difference of observed versus expected missense substitutions in sub-genic regions. This score is then combined with orthogonal deleteriousness metrics into one score called MPC (for Missense badness, PolyPhen-2, and Constraint) designed to classify whether a missense variant is deleterious. (DOI: 10.1101/148353). Based on the above evidence this variant has been classified as likely pathogenic according to the ACMG guidelines

Literature cited by the submitters: PubMed 29655203 (cited by Labcorp Genetics (formerly Invitae), Labcorp); PubMed 18930999 (cited by Labcorp Genetics (formerly Invitae), Labcorp).